The following is an entry in ClinVar:

NM_006031.6(PCNT):c.4352G>A (p.Arg1451His)

Gene: PCNT (pericentrin; plus strand). Cytogenetic location: 21q22.3.
Variant type: single nucleotide variant.
Coding change: c.4352G>A on transcript NM_006031.6 (MANE Select); coding-DNA position 4352, G replaced by A.
Protein change: p.Arg1451His; replaces arginine 1451 with histidine.
Molecular consequence: missense variant.
Genome position (GRCh38, 1-based): chr21:46,397,400, G>A. VCF-style: chr21-46397400-G-A. GRCh37 (hg19) VCF-style: chr21-47817314-G-A.
Other names: c.3998G>A, p.Arg1333His (NM_001315529.2); c.4352G>A (NM_006031.5); short protein forms R1451H, R1333H.
Identifiers: ClinVar variation 2180689 (VCV002180689.7), dbSNP rs200697914, ClinGen allele CA10079601.

ClinVar aggregate classification (germline): Uncertain significance. Review status: criteria provided, multiple submitters, no conflicts (2 of 4 stars). 3 submissions from 3 submitters: Uncertain significance (3). Last evaluated 2026-07-01.

Conditions:
PCNT-related disorder. Also called: PCNT-related condition.
Inborn genetic diseases. Identifiers: MedGen C0950123, MeSH D030342.

Allele frequency attached by ClinVar (database versions not stated): TOPMed 0.00010; gnomAD exomes 0.00012; ExAC 0.00013; gnomAD 0.00010.
gnomAD v4.1: 204 of 1,614,074 alleles (0.013%); highest among the groups gnomAD compares: Middle Eastern, 0.082%; no homozygotes.

Submissions (3):

PreventionGenetics, part of Exact Sciences
Classification: Uncertain significance for PCNT-related condition. Last evaluated: 2026-07-01. Review status: criteria provided, single submitter. Criteria: ACMG Guidelines, 2015. Collection method: clinical testing. Allele origin: germline.
Comment: The PCNT c.4352G>A variant is predicted to result in the amino acid substitution p.Arg1451His. To our knowledge, this variant has not been reported in the literature. This variant is reported in 0.080% of alleles in individuals of East Asian descent in gnomAD, which may be too common to be a primary cause of disease. Although we suspect that this variant may be benign, at this time, the clinical significance of this variant is uncertain due to the absence of conclusive functional and genetic evidence.

Ambry Genetics
Classification: Uncertain significance for Inborn genetic diseases. Last evaluated: 2025-09-25. Review status: criteria provided, single submitter. Criteria: Ambry Variant Classification Scheme 2023. Collection method: clinical testing. Allele origin: germline.

Labcorp Genetics (formerly Invitae), Labcorp
Classification: Uncertain significance. Last evaluated: 2022-07-12. Review status: criteria provided, single submitter. Criteria: Invitae Variant Classification Sherloc (09022015). Collection method: clinical testing. Allele origin: germline.
Comment: This sequence change replaces arginine, which is basic and polar, with histidine, which is basic and polar, at codon 1451 of the PCNT protein (p.Arg1451His). This variant is present in population databases (rs200697914, gnomAD 0.08%). This variant has not been reported in the literature in individuals affected with PCNT-related conditions. Algorithms developed to predict the effect of missense changes on protein structure and function (SIFT, PolyPhen-2, Align-GVGD) all suggest that this variant is likely to be tolerated. In summary, the available evidence is currently insufficient to determine the role of this variant in disease. Therefore, it has been classified as a Variant of Uncertain Significance.